The following is an entry in ClinVar:

ClinVar aggregate classification (germline): Pathogenic (1 of 4 stars; one submission).

Conditions:
Autosomal recessive nonsyndromic hearing loss 31. Also called: WHIRLER, MOUSE, HOMOLOG OF. Identifiers: Orphanet 90636, MedGen C1846839, MONDO:0011767, OMIM 607084.

Submission:

Institute of Rare Diseases, West China Hospital, Sichuan University
Classification: Pathogenic for Autosomal recessive nonsyndromic hearing loss 31. Last evaluated: 2025-01-09. Review status: criteria provided, single submitter. Criteria: ClinGen HL ACMG Specifications v1. Collection method: research. Allele origin: germline. Affected: yes.
Comment: PVS1;PP1;PM2_Supporting

NM_015404.4(WHRN):c.2430_2445del (p.Glu811fs)

Gene: WHRN (whirlin; minus strand). Cytogenetic location: 9q32.
Variant type: Deletion.
Coding change: c.2430_2445del on transcript NM_015404.4 (MANE Select); coding-DNA positions 2430 to 2445, 16 bases deleted (GGAGCCCACGTCCACT).
Protein change: p.Glu811fs; shifts the reading frame from glutamic acid 811.
Molecular consequence: frameshift variant.
Genome position (GRCh38, 1-based): chr9:114,403,313-114,403,328, AGTGGACGTGGGCTCC deleted on the plus strand (GGAGCCCACGTCCACT on the coding strand, the reverse complement: WHRN is on the minus strand); deleting any 16 consecutive bases within chr9:114,403,313-114,403,330 gives the same sequence; the c. name uses the placement nearest the transcript's 3' end. VCF-style (leftmost placement, unchanged base first): chr9-114403312-GAGTGGACGTGGGCTCC-G. GRCh37 (hg19) VCF-style: chr9-117165592-GAGTGGACGTGGGCTCC-G.
Other names: c.1281_1296del, p.Glu428fs (NM_001083885.3); c.2427_2442del, p.Glu810fs (NM_001173425.2); c.1377_1392del, p.Glu460fs (NM_001346890.1); short protein forms E428fs, E460fs, E810fs, E811fs.
Identifiers: ClinVar variation 3601042 (VCV003601042.1).
Genomic context (GRCh38, chr9:114,403,312, plus strand): 5'-TGTTGGCGCCACCCTCGATGGCGATGCCCAGGGTGGCCGCACTTTTCTTCACACGGACCA[GAGTGGACGTGGGCTCC>G]AGAAGTCCAGGCTGTGGGTATTAGGAAGGACACCACTGAGGCCTTCGCAGTTGGCAGGCC-3'